The following is an entry in ClinVar:

ClinVar aggregate classification (germline): Uncertain significance (1 of 4 stars; one submission).

Allele frequency attached by ClinVar (database versions not stated): gnomAD exomes 0.00001; TOPMed 0.00001.
gnomAD v4.1: 8 of 1,614,024 alleles (0.0005%); highest among the groups gnomAD compares: Non-Finnish European, 0.00059%; no homozygotes.

Submission:

Labcorp Genetics (formerly Invitae), Labcorp
Classification: Uncertain significance. Last evaluated: 2021-11-16. Review status: criteria provided, single submitter. Criteria: Invitae Variant Classification Sherloc (09022015). Collection method: clinical testing. Allele origin: germline.
Comment: This variant has not been reported in the literature in individuals affected with COX6B1-related conditions. In summary, the available evidence is currently insufficient to determine the role of this variant in disease. Therefore, it has been classified as a Variant of Uncertain Significance. Algorithms developed to predict the effect of missense changes on protein structure and function are either unavailable or do not agree on the potential impact of this missense change (SIFT: "Deleterious"; PolyPhen-2: "Benign"; Align-GVGD: "Class C0"). This variant is not present in population databases (gnomAD no frequency). This sequence change replaces threonine, which is neutral and polar, with methionine, which is neutral and non-polar, at codon 81 of the COX6B1 protein (p.Thr81Met).

NM_001863.5(COX6B1):c.242C>T (p.Thr81Met)

Gene: COX6B1 (cytochrome c oxidase subunit 6B1; plus strand). Cytogenetic location: 19q13.12.
Variant type: single nucleotide variant.
Coding change: c.242C>T on transcript NM_001863.5 (MANE Select); coding-DNA position 242, C replaced by T.
Protein change: p.Thr81Met; replaces threonine 81 with methionine.
Molecular consequence: missense variant.
Genome position (GRCh38, 1-based): chr19:35,658,628, C>T. VCF-style: chr19-35658628-C-T. GRCh37 (hg19) VCF-style: chr19-36149530-C-T.
Other names: short protein forms T81M.
Identifiers: ClinVar variation 1370258 (VCV001370258.6), dbSNP rs1967913181, ClinGen allele CA405362637.
Genomic context (GRCh38, chr19:35,658,628, plus strand): 5'-GAGGGAATAACACTGTCTTTCCACAGGTCACAGACTGGGATGAGCAACGGGCTGAAGGCA[C>T]GTTTCCCGGGAAGATCTGAACTGGCTGCATCTCCCTTTCCTCTGTCCTCCATCCTTCTCC-3'
Protein context (NP_001854.1, residues 71-86): TDWDEQRAEG[Thr81Met]FPGKI